The following is an entry in ClinVar:

NM_000132.4(F8):c.5843T>G (p.Leu1948Arg)

Gene: F8 (coagulation factor VIII; minus strand). Cytogenetic location: Xq28.
Variant type: single nucleotide variant.
Coding change: c.5843T>G on transcript NM_000132.4 (MANE Select); coding-DNA position 5843, T replaced by G.
Protein change: p.Leu1948Arg; replaces leucine 1948 with arginine.
Molecular consequence: missense variant.
Genome position (GRCh38, 1-based): chrX:154,904,061, A>C on the plus strand (T>G on the coding strand, the complement: F8 is on the minus strand). VCF-style: chrX-154904061-A-C. GRCh37 (hg19) VCF-style: chrX-154132336-A-C.
Other names: short protein forms L1948R.
Identifiers: ClinVar variation 2920880 (VCV002920880.2), dbSNP rs1417236969, ClinGen allele CA414906546.
Genomic context (GRCh38, chrX:154,904,061, plus strand): 5'-CTGCCCATGCTGAGCAGATACCATCGAATCCTTTGATCCTGAGCCATTACTAAGCCAGGT[A>C]GTGTATCCATTATGTAGCCATTGATTGCTGGAGAAGGACACAGAGAAGCCTGTTAAAATC-3'
Protein context (NP_000123.1, residues 1938-1958): HAINGYIMDT[Leu1948Arg]PGLVMAQDQR

ClinVar aggregate classification (germline): Likely pathogenic (1 of 4 stars; one submission).

Submission:

ARUP Laboratories, Molecular Genetics and Genomics, ARUP Laboratories
Classification: Likely pathogenic. Last evaluated: 2024-05-22. Review status: criteria provided, single submitter. Criteria: ARUP Molecular Germline Variant Investigation Process 2024. Collection method: clinical testing. Allele origin: germline.
Comment: The F8 c.5843T>G; p.Leu1948Arg variant (rs1417236969), also known as Leu1929Arg, is reported in the literature in individuals affected with moderate hemophilia A (Johnsen 2017, see link to F8 database). This variant is absent from the Genome Aggregation Database, indicating it is not a common polymorphism. Computational analyses predict that this variant is deleterious (REVEL: 0.896). Additionally, another variant at this codon (c.5843T>C; p.Leu1948Pro) have been reported in individuals with moderate hemophilia A and is considered pathogenic (Fogel 2008, Johnsen 2017, Markoff 2009, see link to F8 database). Based on available information, the p.Leu1948Arg variant is considered to be likely pathogenic. References: Link to F8 database: Fogel BL et al. A family with combined mutations of the hemophilia A and X-linked adrenoleukodystrophy genes. Neurogenetics. 2008 Jul;9(3):215-8. PMID: 18481121. Johnsen JM et al. Novel approach to genetic analysis and results in 3000 hemophilia patients enrolled in the My Life, Our Future initiative. Blood Adv. 2017 May 18;1(13):824-834. PMID: 29296726. Markoff A et al. Combined homology modelling and evolutionary significance evaluation of missense mutations in blood clotting factor VIII to highlight aspects of structure and function. Haemophilia. 2009 Jul;15(4):932-41. PMID: 19473423.